The following is an entry in ClinVar:

ClinVar aggregate classification (germline): Uncertain significance (1 of 4 stars; one submission).

Conditions:
Granulomatous disease, chronic, autosomal recessive, cytochrome b-positive, type 2. Also called: GRANULOMATOUS DISEASE, CHRONIC, AUTOSOMAL RECESSIVE, 2; Chronic granulomatous disease due to deficiency of NCF-2; GRANULOMATOUS DISEASE, CHRONIC, DUE TO NCF2 DEFICIENCY; Chronic Granulomatous Disease, Autosomal Recessive, Cytochrome b-Positive, Type II; CGD, AUTOSOMAL RECESSIVE CYTOCHROME b-POSITIVE, TYPE II. Identifiers: Orphanet 379, MedGen C1856245, MONDO:0009310, OMIM 233710.

Submission:

Labcorp Genetics (formerly Invitae), Labcorp
Classification: Uncertain significance for Granulomatous disease, chronic, autosomal recessive, cytochrome b-positive, type 2. Last evaluated: 2023-08-04. Review status: criteria provided, single submitter. Criteria: Invitae Variant Classification Sherloc (09022015). Collection method: clinical testing. Allele origin: germline.
Comment: This variant is not present in population databases (gnomAD no frequency). In summary, the available evidence is currently insufficient to determine the role of this variant in disease. Therefore, it has been classified as a Variant of Uncertain Significance. Advanced modeling of protein sequence and biophysical properties (such as structural, functional, and spatial information, amino acid conservation, physicochemical variation, residue mobility, and thermodynamic stability) has been performed at Invitae for this missense variant, however the output from this modeling did not meet the statistical confidence thresholds required to predict the impact of this variant on NCF2 protein function. ClinVar contains an entry for this variant (Variation ID: 847320). This variant has not been reported in the literature in individuals affected with NCF2-related conditions. This sequence change replaces tryptophan, which is neutral and slightly polar, with arginine, which is basic and polar, at codon 22 of the NCF2 protein (p.Trp22Arg).

NM_000433.4(NCF2):c.64T>C (p.Trp22Arg)

Gene: NCF2 (neutrophil cytosolic factor 2; minus strand). Cytogenetic location: 1q25.3.
Variant type: single nucleotide variant.
Coding change: c.64T>C on transcript NM_000433.4 (MANE Select); coding-DNA position 64, T replaced by C.
Protein change: p.Trp22Arg; replaces tryptophan 22 with arginine.
Molecular consequence: missense variant.
Genome position (GRCh38, 1-based): chr1:183,590,266, A>G on the plus strand (T>C on the coding strand, the complement: NCF2 is on the minus strand). VCF-style: chr1-183590266-A-G. GRCh37 (hg19) VCF-style: chr1-183559401-A-G.
Other names: c.64T>C, p.Trp22Arg (NM_001127651.3, NM_001190789.2, NM_001190794.2); short protein forms W22R.
Identifiers: ClinVar variation 847320 (VCV000847320.10), dbSNP rs1673581250, ClinGen allele CA343684969.
Genomic context (GRCh38, chr1:183,590,266, plus strand): 5'-TGAAGCAAATCCGGGAGTGGGGGTCCTGGACGGCACTGAAGGCATCCAGGGCTCCCTTCC[A>G]GTCCTTCTTGTCCGCTGCCAGCACCCCTTCATTCCAGAGGCTGATGGCCTCCACCAGGGA-3'
Protein context (NP_000424.2, residues 12-32): EGVLAADKKD[Trp22Arg]KGALDAFSAV